The following is an entry in ClinVar:

ClinVar aggregate classification (germline): Uncertain significance (1 of 4 stars; one submission).

Submission:

GeneDx
Classification: Uncertain significance. Last evaluated: 2022-01-05. Review status: criteria provided, single submitter. Criteria: GeneDx Variant Classification Process June 2021. Collection method: clinical testing. Allele origin: germline. Affected: yes.
Comment: Not observed at significant frequency in large population cohorts (gnomAD); In silico analysis supports that this missense variant does not alter protein structure/function; Has not been previously published as pathogenic or benign to our knowledge

NM_144672.4(OTOA):c.1784T>C (p.Phe595Ser)

Gene: OTOA (otoancorin). Cytogenetic location: 16p12.2.
Variant type: single nucleotide variant.
Coding change: c.1784T>C on transcript NM_144672.4 (MANE Select); coding-DNA position 1784, T replaced by C.
Protein change: p.Phe595Ser; replaces phenylalanine 595 with serine.
Molecular consequence: missense variant.
Genome position (GRCh38, 1-based): chr16:21,719,482, T>C. VCF-style: chr16-21719482-T-C. GRCh37 (hg19) VCF-style: chr16-21730803-T-C.
Other names: c.1547T>C, p.Phe516Ser (NM_001161683.2); c.812T>C, p.Phe271Ser (NM_170664.3); short protein forms F271S, F516S, F595S.
Identifiers: ClinVar variation 1695716 (VCV001695716.2), dbSNP rs2141704809, ClinGen allele CA395064784.